The following is an entry in ClinVar:

ClinVar aggregate classification (germline): Likely benign (1 of 4 stars; one submission).

Allele frequency attached by ClinVar (database versions not stated): 1000 Genomes Project 30x 0.00016; 1000 Genomes Project 0.00020; ExAC 0.00031; ESP Exome Variant Server 0.00046; gnomAD 0.00052; TOPMed 0.00054; gnomAD exomes 0.00087.
gnomAD v4.1: 1,327 of 1,612,698 alleles (0.082%); highest among the groups gnomAD compares: Non-Finnish European, 0.1%; no homozygotes.

Submission:

CeGaT Center for Human Genetics Tuebingen
Classification: Likely benign. Last evaluated: 2026-01-01. Review status: criteria provided, single submitter. Criteria: CeGaT Center For Human Genetics Tuebingen Variant Classification Criteria Version 2. Collection method: clinical testing. Allele origin: germline. Affected: yes. Observed: 4 variant alleles.
Comment: BTBD6: BP4, BP7

NM_001387567.1(BTBD6):c.933G>A (p.Ala311=)

Genes: BRF1 (BRF1 general transcription factor IIIB subunit; minus strand), BTBD6 (BTB domain containing 6; plus strand). Cytogenetic location: 14q32.33.
Variant type: single nucleotide variant.
Coding change: c.933G>A on transcript NM_001387567.1 (MANE Select); coding-DNA position 933, G replaced by A.
Protein change: p.Ala311=; no amino-acid change (alanine 311 retained).
Molecular consequence: synonymous variant. On other transcripts: intron variant (4).
Genome position (GRCh38, 1-based): chr14:105,249,988, G>A. VCF-style: chr14-105249988-G-A. GRCh37 (hg19) VCF-style: chr14-105716325-G-A.
Other names: c.774G>A, p.Ala258= (NM_033271.3); c.199+2519C>T (NM_001242787.2, NM_001242786.2); c.463+2519C>T (NM_001242788.2); c.544+2519C>T (NM_001519.4).
Identifiers: ClinVar variation 2644911 (VCV002644911.24), dbSNP rs61738773, ClinGen allele CA7387857.